The following is an entry in ClinVar:

ClinVar aggregate classification (germline): Uncertain significance (1 of 4 stars; one submission).

Conditions:
Hereditary cancer-predisposing syndrome. Also called: Neoplastic Syndromes, Hereditary; Tumor predisposition; Hereditary Cancer Syndrome; Hereditary neoplastic syndrome. Identifiers: Orphanet 140162, MedGen C0027672, MeSH D009386, MONDO:0015356.

Submission:

Ambry Genetics
Classification: Uncertain significance for Hereditary cancer-predisposing syndrome. Last evaluated: 2021-12-08. Review status: criteria provided, single submitter. Criteria: Ambry Variant Classification Scheme 2023. Collection method: clinical testing. Allele origin: germline.
Comment: The p.K125E variant (also known as c.373A>G), located in coding exon 4 of the SDHD gene, results from an A to G substitution at nucleotide position 373. The lysine at codon 125 is replaced by glutamic acid, an amino acid with similar properties. This amino acid position is not well conserved in available vertebrate species. In addition, the in silico prediction for this alteration is inconclusive. Since supporting evidence is limited at this time, the clinical significance of this alteration remains unclear.

NM_003002.4(SDHD):c.373A>G (p.Lys125Glu)

Gene: SDHD (succinate dehydrogenase complex subunit D; plus strand). Cytogenetic location: 11q23.1.
Variant type: single nucleotide variant.
Coding change: c.373A>G on transcript NM_003002.4 (MANE Select); coding-DNA position 373, A replaced by G.
Protein change: p.Lys125Glu; replaces lysine 125 with glutamic acid.
Molecular consequence: missense variant. On other transcripts: synonymous variant (1), 3 prime UTR variant (1), non-coding transcript variant (1).
Genome position (GRCh38, 1-based): chr11:112,094,863, A>G. VCF-style: chr11-112094863-A-G. GRCh37 (hg19) VCF-style: chr11-111965587-A-G.
Other names: c.228A>G, p.Pro76= (NM_001276503.2); c.256A>G, p.Lys86Glu (NM_001276504.2); c.*71A>G (NM_001276506.2); short protein forms K125E, K86E.
Identifiers: ClinVar variation 1734455 (VCV001734455.2), dbSNP rs2498917431, ClinGen allele CA382619040.
Genomic context (GRCh38, chr11:112,094,863, plus strand): 5'-AGGGGCCTTGGACAAGTTGTTACTGACTATGTTCATGGGGATGCCTTGCAGAAAGCTGCC[A>G]AGGCAGGGCTTTTGGCACTTTCAGCTTTAACCTTTGCTGGGCTTTGCTATTTCAACTATC-3'
Protein context (NP_002993.1, residues 115-135): VHGDALQKAA[Lys125Glu]AGLLALSALT